The following is an entry in ClinVar:

NM_000255.4(MMUT):c.329A>G (p.Tyr110Cys)

Gene: MMUT (methylmalonyl-CoA mutase; minus strand). Cytogenetic location: 6p12.3.
Variant type: single nucleotide variant.
Coding change: c.329A>G on transcript NM_000255.4 (MANE Select); coding-DNA position 329, A replaced by G.
Protein change: p.Tyr110Cys; replaces tyrosine 110 with cysteine.
Molecular consequence: missense variant.
Genome position (GRCh38, 1-based): chr6:49,459,138, T>C on the plus strand (A>G on the coding strand, the complement: MMUT is on the minus strand). VCF-style: chr6-49459138-T-C. GRCh37 (hg19) VCF-style: chr6-49426851-T-C.
Other names: p.Y110C:TAT>TGT; short protein forms Y110C.
Identifiers: ClinVar variation 203853 (VCV000203853.6), dbSNP rs796052005, ClinGen allele CA312775.

ClinVar aggregate classification (germline): Pathogenic/Likely pathogenic. Review status: criteria provided, multiple submitters, no conflicts (2 of 4 stars). 5 submissions from 5 submitters: Pathogenic (2); Likely pathogenic (1). 2 of the submissions do not count toward it. Last evaluated 2025-10-01.

Conditions:
Methylmalonic aciduria due to complete methylmalonyl-CoA mutase deficiency.
Methylmalonic aciduria due to methylmalonyl-CoA mutase deficiency (MAMM). Also called: Methylmalonic aciduria, mut type. Identifiers: Orphanet 27, MedGen C1855114, MONDO:0009612, OMIM 251000.
METHYLMALONIC ACIDURIA, mut(0) TYPE. Identifiers: MedGen C1855115, OMIM 251000.

Submissions (5):

Natera, Inc.
Classification: Likely pathogenic for Methylmalonic aciduria due to complete methylmalonyl-CoA mutase deficiency. Last evaluated: 2025-10-01. Review status: criteria provided, single submitter. Criteria: Natera Variant Classification Schema (03/2026). Collection method: clinical testing. Allele origin: germline.
Comment: The c.329A>G variant in MMUT is a missense variant predicted to cause substitution of tyrosine to cysteine at amino acid 110. This variant is rare in the general population with a frequency below the threshold expected for the associated phenotype(s). This variant has been observed in one or more individuals affected with the associated recessive disease, as either homozygous or compound heterozygous with a second variant (PMID: 26318470, 26615597). This variant has been identified in one or more affected individual with a phenotype highly consistent with the associated gene (PMID: 31130284, 36717752). Computational prediction algorithms indicate this variant is likely to affect gene or protein function. Given the available evidence, this variant is classified as Likely Pathogenic.

Genomic Medicine Center of Excellence, King Faisal Specialist Hospital and Research Centre
Classification: Pathogenic for Methylmalonic aciduria, mut(0) type. Last evaluated: 2024-03-14. Review status: criteria provided, single submitter. Criteria: ACMG Guidelines, 2015. Collection method: clinical testing. Allele origin: germline.

GeneDx
Classification: Pathogenic. Last evaluated: 2017-06-12. Review status: criteria provided, single submitter. Criteria: GeneDx Variant Classification (06012015). Collection method: clinical testing. Allele origin: germline. Affected: yes.
Comment: A Y110C missense change was identified in the MUT gene. It has not been published as a pathogenic variant, nor has it been reported as a benign polymorphism to our knowledge. It has been seen in other unrelated individuls at GeneDx. The Y110C variant occurs at a highly conserved position in the methylmalonyl-CoA mutase protein and results in the disruption of a ligand binding site in the protein. Multiple missense variant in neighboring codons (Y100C, W105R, R108C, R108A, R108H, Q109R) have been reported in association with methylmalonic acidemia (MMA). Furthermore, three in silico models predict that Y110C is not tolerated in the resultant protein. Therefore, we consider Y110C to be a disease associated variant.

Biochemical Molecular Genetic Laboratory, King Abdulaziz Medical City
Classification: Pathogenic for Methylmalonic aciduria due to methylmalonyl-CoA mutase deficiency. Last evaluated: 2020-02-05. Review status: no assertion criteria provided. Collection method: clinical testing. Allele origin: germline. Affected: yes. Not counted in ClinVar's aggregate classification.

Pathology and Clinical Laboratory Medicine, King Fahad Medical City
Classification: Pathogenic for Methylmalonic aciduria due to methylmalonyl-CoA mutase deficiency. Review status: no assertion criteria provided. Criteria: ACMG Guidelines, 2015. Collection method: clinical testing. Allele origin: germline. Affected: yes. Not counted in ClinVar's aggregate classification.

Literature cited by the submitters: PubMed 26318470 (cited by Natera, Inc.); PubMed 26615597 (cited by Natera, Inc.); PubMed 31130284 (cited by Natera, Inc.); PubMed 36717752 (cited by Natera, Inc.).